The following is an entry in ClinVar:

ClinVar aggregate classification (germline): Uncertain significance (0 of 4 stars; one submission).

Conditions:
SLMAP-related disorder. Also called: SLMAP-related condition.

Submission:

PreventionGenetics, part of Exact Sciences
Classification: Uncertain significance for SLMAP-related condition. Last evaluated: 2024-05-10. Review status: no assertion criteria provided. Collection method: clinical testing. Allele origin: germline.
Comment: The SLMAP c.1919-9C>G variant is predicted to interfere with splicing. This variant is predicted to weaken the canonical splice acceptor site (SpliceAI, Jaganathan et al. 2019. PubMed ID: 30661751). To our knowledge, this variant has not been reported in the literature or in a large population database, indicating this variant is rare. At this time, the clinical significance of this variant is uncertain due to the absence of conclusive functional and genetic evidence.

NM_001377540.1(SLMAP):c.2021-9C>G

Gene: SLMAP (sarcolemma associated protein; plus strand). Cytogenetic location: 3p14.3.
Variant type: single nucleotide variant.
Coding change: c.2021-9C>G on transcript NM_001377540.1 (MANE Select); 9 bases into the intron before coding-DNA position 2021, C replaced by G.
Molecular consequence: intron variant.
Genome position (GRCh38, 1-based): chr3:57,913,149, C>G. VCF-style: chr3-57913149-C-G. GRCh37 (hg19) VCF-style: chr3-57898876-C-G.
Other names: c.2042-9C>G (NM_001377538.1); c.2021-9C>G (NM_001377539.1); c.1898-9C>G (NM_001377555.1); c.1958-9C>G (NM_001377545.1); c.1835-9C>G (NM_001377922.1); c.1970-9C>G (NM_001377541.1, NM_001304420.3, NM_001377542.1); c.1847-9C>G (NM_001377562.1, NM_001377921.1); c.1907-9C>G (NM_001377552.1, NM_001377551.1); and 8 more.
Identifiers: ClinVar variation 3344591 (VCV003344591.1).